The following is an entry in ClinVar:

NM_000368.5(TSC1):c.851G>T (p.Arg284Leu)

Gene: TSC1 (TSC complex subunit 1; minus strand). Cytogenetic location: 9q34.13.
Variant type: single nucleotide variant.
Coding change: c.851G>T on transcript NM_000368.5 (MANE Select); coding-DNA position 851, G replaced by T.
Protein change: p.Arg284Leu; replaces arginine 284 with leucine.
Molecular consequence: missense variant.
Genome position (GRCh38, 1-based): chr9:132,912,344, C>A on the plus strand (G>T on the coding strand, the complement: TSC1 is on the minus strand). VCF-style: chr9-132912344-C-A. GRCh37 (hg19) VCF-style: chr9-135787731-C-A.
Other names: c.851G>T, p.Arg284Leu (NM_001162426.2); c.698G>T, p.Arg233Leu (NM_001162427.2); c.488G>T, p.Arg163Leu (NM_001362177.2); short protein forms R163L, R284L, R233L.
Identifiers: ClinVar variation 1489564 (VCV001489564.8), dbSNP rs151309813, ClinGen allele CA375369241.

ClinVar aggregate classification (germline): Conflicting classifications of pathogenicity. Review status: criteria provided, conflicting classifications (1 of 4 stars). 2 submissions from 2 submitters: Uncertain significance (1); Likely benign (1). Last evaluated 2025-10-06.

Conditions:
Tuberous sclerosis syndrome (TSC). Also called: Tuberous Sclerosis Complex; Tuberous sclerosis. Identifiers: Orphanet 805, MedGen C0041341, MONDO:0001734.
Tuberous sclerosis 1 (TSC1). Identifiers: Orphanet 805, MedGen C1854465, MONDO:0008612, OMIM 191100.

Submissions (2):

Labcorp Genetics (formerly Invitae), Labcorp
Classification: Likely benign for Tuberous sclerosis 1. Last evaluated: 2025-10-06. Review status: criteria provided, single submitter. Criteria: Invitae Variant Classification Sherloc (09022015). Collection method: clinical testing. Allele origin: germline.

All of Us Research Program, National Institutes of Health
Classification: Uncertain significance for Tuberous sclerosis syndrome. Last evaluated: 2023-08-15. Review status: criteria provided, single submitter. Criteria: ACMG Guidelines, 2015. Collection method: clinical testing. Allele origin: germline. Inheritance: Autosomal dominant inheritance. Observed: 1 variant allele, 1 heterozygote.
Comment: This study involves interpretation of variants in research participants for the purpose of population health screening. Participant phenotype was not available at the time of variant classification. Additional details can be found in publication PMID: 35346344, PMCID: PMC8962531